The following is an entry in ClinVar:

NC_000023.11:g.18650467G>A

Genes: CDKL5 (cyclin dependent kinase like 5; plus strand), RS1 (retinoschisin 1; minus strand). Cytogenetic location: Xp22.13.
Variant type: single nucleotide variant.
Molecular consequence: intron variant (on NM_000330.4). On other transcripts: missense variant (2).
Genome position: GRCh38 VCF-style: chrX-18650467-G-A. GRCh37 (hg19) VCF-style: chrX-18668587-G-A.
Other names: c.2855G>A, p.Arg952Gln (NM_001037343.2, NM_003159.3); c.185-3135C>T (NM_000330.4); short protein forms R952Q.
Identifiers: ClinVar variation 2934711 (VCV002934711.3), dbSNP rs2518930438, ClinGen allele CA412373299.

ClinVar aggregate classification (germline): Uncertain significance (1 of 4 stars; one submission).

Conditions:
Developmental and epileptic encephalopathy, 2 (DEE2). Also called: INFANTILE SPASM SYNDROME, X-LINKED 2; CDKL5 deficiency disorder. Identifiers: Orphanet 1934, Orphanet 3451, Orphanet 505652, MedGen C4750718, MONDO:0010396, OMIM 300672.
Angelman syndrome-like. Identifiers: MedGen CN128785.

Allele frequency attached by ClinVar (database versions not stated): gnomAD 0.00001; gnomAD exomes 0.00002.
gnomAD v4.1: 23 of 1,210,087 alleles (0.0019%); highest among the groups gnomAD compares: Non-Finnish European, 0.0025%; no homozygotes.

Submission:

Labcorp Genetics (formerly Invitae), Labcorp
Classification: Uncertain significance for Developmental and epileptic encephalopathy, 2; Angelman syndrome-like. Last evaluated: 2023-05-12. Review status: criteria provided, single submitter. Criteria: Invitae Variant Classification Sherloc (09022015). Collection method: clinical testing. Allele origin: germline.
Comment: In summary, the available evidence is currently insufficient to determine the role of this variant in disease. Therefore, it has been classified as a Variant of Uncertain Significance. Advanced modeling of protein sequence and biophysical properties (such as structural, functional, and spatial information, amino acid conservation, physicochemical variation, residue mobility, and thermodynamic stability) performed at Invitae indicates that this missense variant is not expected to disrupt CDKL5 protein function. This variant has not been reported in the literature in individuals affected with CDKL5-related conditions. This variant is not present in population databases (gnomAD no frequency). This sequence change replaces arginine, which is basic and polar, with glutamine, which is neutral and polar, at codon 952 of the CDKL5 protein (p.Arg952Gln).